The following is an entry in ClinVar:

ClinVar aggregate classification (germline): Uncertain significance. Review status: criteria provided, multiple submitters, no conflicts (2 of 4 stars). 3 submissions from 3 submitters: Uncertain significance (3). Last evaluated 2025-02-14.

Conditions:
Hereditary nonpolyposis colorectal neoplasms. Identifiers: MedGen C0009405, MeSH D003123.
Hereditary cancer-predisposing syndrome. Also called: Hereditary Cancer Syndrome; Hereditary neoplastic syndrome; Neoplastic Syndromes, Hereditary; Tumor predisposition. Identifiers: Orphanet 140162, MedGen C0027672, MeSH D009386, MONDO:0015356.
Lynch syndrome. Identifiers: Orphanet 144, MedGen C4552100, MONDO:0005835. Disease mechanism: loss of function.

gnomAD v4.1: 1 of 1,614,050 alleles (0.000062%); highest among the groups gnomAD compares: Non-Finnish European, 0.000085%; no homozygotes.

Submissions (3):

Ambry Genetics
Classification: Uncertain significance for Hereditary cancer-predisposing syndrome. Last evaluated: 2025-02-14. Review status: criteria provided, single submitter. Criteria: Ambry Variant Classification Scheme 2023. Collection method: clinical testing. Allele origin: germline.
Comment: The p.D803Y variant (also known as c.2407G>T), located in coding exon 4 of the MSH6 gene, results from a G to T substitution at nucleotide position 2407. The aspartic acid at codon 803 is replaced by tyrosine, an amino acid with highly dissimilar properties. This amino acid position is not well conserved in available vertebrate species. In addition, the in silico prediction for this alteration is inconclusive. Based on the available evidence, the clinical significance of this variant remains unclear.

Labcorp Genetics (formerly Invitae), Labcorp
Classification: Uncertain significance for Hereditary nonpolyposis colorectal neoplasms. Last evaluated: 2024-10-12. Review status: criteria provided, single submitter. Criteria: Invitae Variant Classification Sherloc (09022015). Collection method: clinical testing. Allele origin: germline.
Comment: This sequence change replaces aspartic acid, which is acidic and polar, with tyrosine, which is neutral and polar, at codon 803 of the MSH6 protein (p.Asp803Tyr). This variant is not present in population databases (gnomAD no frequency). This variant has not been reported in the literature in individuals affected with MSH6-related conditions. ClinVar contains an entry for this variant (Variation ID: 455196). Invitae Evidence Modeling of protein sequence and biophysical properties (such as structural, functional, and spatial information, amino acid conservation, physicochemical variation, residue mobility, and thermodynamic stability) indicates that this missense variant is not expected to disrupt MSH6 protein function with a negative predictive value of 95%. In summary, the available evidence is currently insufficient to determine the role of this variant in disease. Therefore, it has been classified as a Variant of Uncertain Significance.

All of Us Research Program, National Institutes of Health
Classification: Uncertain significance for Lynch syndrome. Last evaluated: 2024-08-13. Review status: criteria provided, single submitter. Criteria: ACMG Guidelines, 2015. Collection method: clinical testing. Allele origin: germline. Inheritance: Autosomal dominant inheritance. Observed: 1 variant allele, 1 heterozygote.
Comment: This missense variant replaces aspartic acid with tyrosine at codon 803 of the MSH6 protein. Computational prediction suggests that this variant may have deleterious impact on protein structure and function (internally defined REVEL score threshold >= 0.7, PMID: 27666373). To our knowledge, functional studies have not been reported for this variant. This variant has not been reported in individuals affected with MSH6-related disorders in the literature. This variant has not been identified in the general population by the Genome Aggregation Database (gnomAD). The available evidence is insufficient to determine the role of this variant in disease conclusively. Therefore, this variant is classified as a Variant of Uncertain Significance.

This study involves interpretation of variants in research participants for the purpose of population health screening. Participant phenotype was not available at the time of variant classification. Additional details can be found in publication PMID: 35346344, PMCID: PMC8962531

NM_000179.3(MSH6):c.2407G>T (p.Asp803Tyr)

Gene: MSH6 (mutS homolog 6; plus strand). Cytogenetic location: 2p16.3.
Variant type: single nucleotide variant.
Coding change: c.2407G>T on transcript NM_000179.3 (MANE Select); coding-DNA position 2407, G replaced by T.
Protein change: p.Asp803Tyr; replaces aspartic acid 803 with tyrosine.
Molecular consequence: missense variant.
Genome position (GRCh38, 1-based): chr2:47,800,390, G>T. VCF-style: chr2-47800390-G-T. GRCh37 (hg19) VCF-style: chr2-48027529-G-T.
Other names: c.2017G>T, p.Asp673Tyr (NM_001281492.2); c.1501G>T, p.Asp501Tyr (NM_001281493.2, NM_001281494.2); short protein forms D803Y, D501Y, D673Y.
Identifiers: ClinVar variation 455196 (VCV000455196.14), dbSNP rs1553413770, ClinGen allele CA346753957.